The following is an entry in ClinVar:

ClinVar aggregate classification (germline): Uncertain significance. Review status: criteria provided, multiple submitters, no conflicts (2 of 4 stars). 3 submissions from 3 submitters: Uncertain significance (3). Last evaluated 2024-11-25.

Conditions:
Inborn genetic diseases. Identifiers: MedGen C0950123, MeSH D030342.

Allele frequency attached by ClinVar (database versions not stated): gnomAD 0.00001; gnomAD exomes 0.00001; TOPMed 0.00001.
gnomAD v4.1: 12 of 1,612,884 alleles (0.00074%); highest among the groups gnomAD compares: South Asian, 0.0022%; no homozygotes.

Submissions (3):

Ambry Genetics
Classification: Uncertain significance for Inborn genetic diseases. Last evaluated: 2024-11-25. Review status: criteria provided, single submitter. Criteria: Ambry Variant Classification Scheme 2023. Collection method: clinical testing. Allele origin: germline.

Labcorp Genetics (formerly Invitae), Labcorp
Classification: Uncertain significance. Last evaluated: 2023-10-18. Review status: criteria provided, single submitter. Criteria: Invitae Variant Classification Sherloc (09022015). Collection method: clinical testing. Allele origin: germline.
Comment: This sequence change replaces asparagine, which is neutral and polar, with serine, which is neutral and polar, at codon 457 of the DNA2 protein (p.Asn457Ser). This variant is not present in population databases (gnomAD no frequency). This variant has not been reported in the literature in individuals affected with DNA2-related conditions. ClinVar contains an entry for this variant (Variation ID: 1712010). Advanced modeling of protein sequence and biophysical properties (such as structural, functional, and spatial information, amino acid conservation, physicochemical variation, residue mobility, and thermodynamic stability) performed at Invitae indicates that this missense variant is not expected to disrupt DNA2 protein function. In summary, the available evidence is currently insufficient to determine the role of this variant in disease. Therefore, it has been classified as a Variant of Uncertain Significance.

GeneDx
Classification: Uncertain significance. Last evaluated: 2022-04-22. Review status: criteria provided, single submitter. Criteria: GeneDx Variant Classification Process June 2021. Collection method: clinical testing. Allele origin: germline. Affected: yes.
Comment: Not observed at significant frequency in large population cohorts (gnomAD); In silico analysis supports that this missense variant does not alter protein structure/function; Has not been previously published as pathogenic or benign to our knowledge

NM_001080449.3(DNA2):c.1370A>G (p.Asn457Ser)

Gene: DNA2 (DNA replication helicase/nuclease 2; minus strand). Cytogenetic location: 10q21.3.
Variant type: single nucleotide variant.
Coding change: c.1370A>G on transcript NM_001080449.3 (MANE Select); coding-DNA position 1370, A replaced by G.
Protein change: p.Asn457Ser; replaces asparagine 457 with serine.
Molecular consequence: missense variant. On other transcripts: non-coding transcript variant (1).
Genome position (GRCh38, 1-based): chr10:68,442,962, T>C on the plus strand (A>G on the coding strand, the complement: DNA2 is on the minus strand). VCF-style: chr10-68442962-T-C. GRCh37 (hg19) VCF-style: chr10-70202719-T-C.
Other names: short protein forms N457S.
Identifiers: ClinVar variation 1712010 (VCV001712010.6), dbSNP rs2051989428, ClinGen allele CA376861712.